The following is an entry in ClinVar:

NM_001017975.6(HFM1):c.1477A>C (p.Lys493Gln)

Gene: HFM1 (helicase for meiosis 1; minus strand). Cytogenetic location: 1p22.2.
Variant type: single nucleotide variant.
Coding change: c.1477A>C on transcript NM_001017975.6 (MANE Select); coding-DNA position 1477, A replaced by C.
Protein change: p.Lys493Gln; replaces lysine 493 with glutamine.
Molecular consequence: missense variant. On other transcripts: non-coding transcript variant (1).
Genome position (GRCh38, 1-based): chr1:91,375,646, T>G on the plus strand (A>C on the coding strand, the complement: HFM1 is on the minus strand). VCF-style: chr1-91375646-T-G. GRCh37 (hg19) VCF-style: chr1-91841203-T-G.
Other names: short protein forms K493Q.
Identifiers: ClinVar variation 2638928 (VCV002638928.24), dbSNP rs113908392, ClinGen allele CA946216.

ClinVar aggregate classification (germline): Benign (1 of 4 stars; one submission).

Allele frequency attached by ClinVar (database versions not stated): 1000 Genomes Project 0.00539; 1000 Genomes Project 30x 0.00547; TOPMed 0.00833; gnomAD 0.01053; ExAC 0.01099; ESP Exome Variant Server 0.01117; gnomAD exomes 0.01288.
gnomAD v4.1: 20,189 of 1,613,422 alleles (1.3%); highest among the groups gnomAD compares: Non-Finnish European, 1.4%; 161 homozygotes.

Submission:

CeGaT Center for Human Genetics Tuebingen
Classification: Benign. Last evaluated: 2025-09-01. Review status: criteria provided, single submitter. Criteria: CeGaT Center For Human Genetics Tuebingen Variant Classification Criteria Version 2. Collection method: clinical testing. Allele origin: germline. Affected: yes. Observed: 5 variant alleles.
Comment: HFM1: BS1, BS2